The following is an entry in ClinVar:

ClinVar aggregate classification (germline): Likely pathogenic. Review status: criteria provided, multiple submitters, no conflicts (2 of 4 stars). 5 submissions from 5 submitters: Likely pathogenic (5). Last evaluated 2025-09-02.

Conditions:
Ataxia-telangiectasia syndrome (AT). Also called: LOUIS-BAR SYNDROME; Cerebello-oculocutaneous telangiectasia; Immunodeficiency with ataxia telangiectasia; Ataxia telangiectasia (A-T); Ataxia-telangiectasia, complementation group D; AT, COMPLEMENTATION GROUP C. Identifiers: Orphanet 100, MedGen C0004135, MONDO:0008840, OMIM 208900.
Hereditary cancer-predisposing syndrome. Also called: Neoplastic Syndromes, Hereditary; Tumor predisposition; Hereditary Cancer Syndrome; Hereditary neoplastic syndrome. Identifiers: Orphanet 140162, MedGen C0027672, MeSH D009386, MONDO:0015356.
Familial cancer of breast. Also called: BREAST CANCER, FAMILIAL; Hereditary breast cancer; hereditary breast carcinoma. Identifiers: Orphanet 227535, MedGen C0346153, MONDO:0016419, OMIM 114480. Disease mechanism: loss of function.

gnomAD v4.1: 1 of 1,060,956 alleles (0.000094%); highest among the groups gnomAD compares: Non-Finnish European, 0.00014%; no homozygotes.

Submissions (5):

Labcorp Genetics (formerly Invitae), Labcorp
Classification: Likely pathogenic for Ataxia-telangiectasia syndrome. Last evaluated: 2025-09-02. Review status: criteria provided, single submitter. Criteria: Invitae Variant Classification Sherloc (09022015). Collection method: clinical testing. Allele origin: germline.
Comment: This sequence change falls in intron 45 of the ATM gene. It does not directly change the encoded amino acid sequence of the ATM protein. This variant is not present in population databases (gnomAD no frequency). This variant has been observed in individual(s) with ataxia-telangiectasia (PMID: 31050087). ClinVar contains an entry for this variant (Variation ID: 1515376). Studies have shown that this variant is associated with altered splicing resulting in multiple RNA products (PMID: 31050087). In summary, the currently available evidence indicates that the variant is pathogenic, but additional data are needed to prove that conclusively. Therefore, this variant has been classified as Likely Pathogenic.

Ambry Genetics
Classification: Likely pathogenic for Hereditary cancer-predisposing syndrome. Last evaluated: 2025-05-29. Review status: criteria provided, single submitter. Criteria: Ambry Variant Classification Scheme 2023. Collection method: clinical testing. Allele origin: germline.
Comment: The c.6573-12C>A intronic variant results from a C to A substitution 12 nucleotides upstream from coding exon 45 in the ATM gene. This nucleotide position is not well conserved in available vertebrate species. This alteration has been reported in the homozygous state in an individual with ataxia-telangiectasia (Fi&eacute;vet A et al. Hum Mutat, 2019 10;40:1713-1730). In silico splice site analysis predicts that this alteration will weaken the native splice acceptor site and will result in the creation or strengthening of a novel splice acceptor site. RNA studies have demonstrated that this alteration results in abnormal splicing in the set of samples tested (Ambry internal data). Based on the majority of available evidence to date, this variant is likely to be pathogenic.

Color Diagnostics, LLC DBA Color Health
Classification: Likely pathogenic for Hereditary cancer-predisposing syndrome. Last evaluated: 2024-03-11. Review status: criteria provided, single submitter. Criteria: ACMG Guidelines, 2015. Collection method: clinical testing. Allele origin: germline.
Comment: This variant causes a C to A nucleotide substitution at the -12 position of intron 45/62 of the ATM gene. Splice site prediction tools suggest that this variant weakens the native splice site and strengthens a cryptic splice site 10 nucleotides upstream. RNA studies showed major use of the predicted cryptic splice site in intron 45 resulting in out-of-frame retention of 10 bases as well as minor use of a cryptic splice site in exon 46 resulting in an in-frame deletion of 81 nucleotides (PMID: 31050087). Functional studies have shown that this variant reduced phosphorylation activity (PMID: 31050087). This variant has been observed in homozygosity in an individual affected with autosomal recessive ataxia-telangiectasia (PMID: 31050087), indicating that this variant contributes to disease. This variant has not been identified in the general population by the Genome Aggregation Database (gnomAD). Based on the available evidence, this variant is classified as Likely Pathogenic.

Baylor Genetics
Classification: Likely pathogenic for Familial cancer of breast. Last evaluated: 2023-06-02. Review status: criteria provided, single submitter. Criteria: ACMG Guidelines, 2015. Collection method: clinical testing. Allele origin: unknown.

GeneDx
Classification: Likely pathogenic. Last evaluated: 2023-05-17. Review status: criteria provided, single submitter. Criteria: GeneDx Variant Classification Process June 2021. Collection method: clinical testing. Allele origin: germline. Affected: yes.
Comment: Published functional studies demonstrate a damaging effect: defective ATM localization and phosphorylation of target proteins (Fivet et al., 2019); In silico analysis supports a deleterious effect on splicing; Not observed at significant frequency in large population cohorts (gnomAD); This variant is associated with the following publications: (PMID: 31050087)

Literature cited by the submitters: PubMed 31050087 (cited by 3 submitters).

NM_000051.4(ATM):c.6573-12C>A

Genes: ATM (ATM serine/threonine kinase; plus strand), C11orf65 (chromosome 11 open reading frame 65; minus strand). Cytogenetic location: 11q22.3.
Variant type: single nucleotide variant.
Coding change: c.6573-12C>A on transcript NM_000051.4 (MANE Select); 12 bases into the intron before coding-DNA position 6573, C replaced by A.
Molecular consequence: intron variant.
Genome position (GRCh38, 1-based): chr11:108,325,298, C>A. VCF-style: chr11-108325298-C-A. GRCh37 (hg19) VCF-style: chr11-108196025-C-A.
Other names: c.6573-12C>A (NM_001351834.2); c.641-16227G>T (NM_001330368.2); c.*38+9922G>T (NM_001351110.2).
Identifiers: ClinVar variation 1515376 (VCV001515376.49), dbSNP rs1057521666, ClinGen allele CA2504246836.
Genomic context (GRCh38, chr11:108,325,298, plus strand): 5'-GAACTTACATAGTTTTTTTTTTTTTTTTTTTCATTTCTCTTGCTTACATGAACTCTATGT[C>A]GTGGCATTCAGATCAGTCACACATAGACAACTCTCTGAAGTATATATTAAGTGGCAGAAA-3'